The following is an entry in ClinVar:

ClinVar aggregate classification (germline): Conflicting classifications of pathogenicity. Review status: criteria provided, conflicting classifications (1 of 4 stars). 7 submissions from 7 submitters: Uncertain significance (6); Likely benign (1). Last evaluated 2025-10-23.

Conditions:
Inborn genetic diseases. Identifiers: MedGen C0950123, MeSH D030342.

Allele frequency attached by ClinVar (database versions not stated): gnomAD 0.00013; ESP Exome Variant Server 0.00015; ExAC 0.00016; TOPMed 0.00016.
gnomAD v4.1: 265 of 1,614,140 alleles (0.016%); highest among the groups gnomAD compares: Middle Eastern, 0.25%; 1 homozygote.

Submissions (7):

Ambry Genetics
Classification: Uncertain significance for Inborn genetic diseases. Last evaluated: 2025-10-23. Review status: criteria provided, single submitter. Criteria: Ambry Variant Classification Scheme 2023. Collection method: clinical testing. Allele origin: germline.

Women's Health and Genetics/Laboratory Corporation of America, LabCorp
Classification: Uncertain significance. Last evaluated: 2025-10-17. Review status: criteria provided, single submitter. Criteria: LabCorp Variant Classification Summary - May 2015. Collection method: clinical testing. Allele origin: germline.
Comment: Variant summary: VPS13D c.3161A>C (p.Asp1054Ala) results in a non-conservative amino acid change in the encoded protein sequence. Algorithms developed to predict the effect of missense changes on protein structure and function are either unavailable or do not agree on the potential impact of this missense change. The variant allele was found at a frequency of 0.00014 in 251288 control chromosomes. This frequency is not significantly higher than estimated for disease-causing variants in VPS13D, allowing no conclusion about variant significance. These data indicate that the variant may be associated with disease. To our knowledge, no experimental evidence demonstrating an impact on protein function has been reported. The following publications have been ascertained in the context of this evaluation (PMID: 36462087, 38539105). ClinVar contains an entry for this variant (Variation ID: 2200185). Based on the evidence outlined above, the variant was classified as VUS-possibly pathogenic.

Mayo Clinic Laboratories, Mayo Clinic
Classification: Likely benign. Last evaluated: 2025-08-13. Review status: criteria provided, single submitter. Criteria: ACMG Guidelines, 2015. Collection method: clinical testing. Allele origin: germline. Observed: 3 variant alleles.
Comment: BP4_strong

Labcorp Genetics (formerly Invitae), Labcorp
Classification: Uncertain significance. Last evaluated: 2024-10-24. Review status: criteria provided, single submitter. Criteria: Invitae Variant Classification Sherloc (09022015). Collection method: clinical testing. Allele origin: germline.
Comment: This sequence change replaces aspartic acid, which is acidic and polar, with alanine, which is neutral and non-polar, at codon 1054 of the VPS13D protein (p.Asp1054Ala). This variant is present in population databases (rs377174939, gnomAD 0.03%), including at least one homozygous and/or hemizygous individual. This variant has not been reported in the literature in individuals affected with VPS13D-related conditions. ClinVar contains an entry for this variant (Variation ID: 2200185). Invitae Evidence Modeling of protein sequence and biophysical properties (such as structural, functional, and spatial information, amino acid conservation, physicochemical variation, residue mobility, and thermodynamic stability) indicates that this missense variant is not expected to disrupt VPS13D protein function with a negative predictive value of 80%. In summary, the available evidence is currently insufficient to determine the role of this variant in disease. Therefore, it has been classified as a Variant of Uncertain Significance.

Blueprint Genetics
Classification: Uncertain significance. Last evaluated: 2024-08-28. Review status: criteria provided, single submitter. Criteria: ACMG Guidelines, 2015. Collection method: clinical testing. Allele origin: germline.

GeneDx
Classification: Uncertain significance. Last evaluated: 2023-10-09. Review status: criteria provided, single submitter. Criteria: GeneDx Variant Classification Process June 2021. Collection method: clinical testing. Allele origin: germline. Affected: yes.
Comment: In silico analysis supports that this missense variant does not alter protein structure/function; This variant is associated with the following publications: (PMID: 36462087)

CeGaT Center for Human Genetics Tuebingen
Classification: Uncertain significance. Last evaluated: 2023-06-01. Review status: criteria provided, single submitter. Criteria: CeGaT Center For Human Genetics Tuebingen Variant Classification Criteria Version 2. Collection method: clinical testing. Allele origin: germline. Affected: yes. Observed: 1 variant allele.
Comment: VPS13D: PM2, BP4

Literature cited by the submitters: PubMed 38539105 (cited by Women's Health and Genetics/Laboratory Corporation of America, LabCorp); PubMed 36462087 (cited by Women's Health and Genetics/Laboratory Corporation of America, LabCorp).

NM_015378.4(VPS13D):c.3161A>C (p.Asp1054Ala)

Gene: VPS13D (vacuolar protein sorting 13 homolog D; plus strand). Cytogenetic location: 1p36.22.
Variant type: single nucleotide variant.
Coding change: c.3161A>C on transcript NM_015378.4 (MANE Select); coding-DNA position 3161, A replaced by C.
Protein change: p.Asp1054Ala; replaces aspartic acid 1054 with alanine.
Molecular consequence: missense variant.
Genome position (GRCh38, 1-based): chr1:12,276,749, A>C. VCF-style: chr1-12276749-A-C. GRCh37 (hg19) VCF-style: chr1-12336806-A-C.
Other names: p.Asp1054Ala; c.3161A>C, p.Asp1054Ala (NM_018156.4); c.3161A>C (NM_015378.3, NM_015378.2); short protein forms D1054A.
Identifiers: ClinVar variation 2200185 (VCV002200185.33), dbSNP rs377174939, ClinGen allele CA601930.